The following is an entry in ClinVar:

ClinVar aggregate classification (germline): Conflicting classifications of pathogenicity. Review status: criteria provided, conflicting classifications (1 of 4 stars). 3 submissions from 3 submitters: Uncertain significance (2); Likely benign (1). Last evaluated 2024-08-20.

Conditions:
Intellectual disability-facial dysmorphism syndrome due to SETD5 haploinsufficiency (MRD23). Also called: Intellectual developmental disorder, autosomal dominant 23. Identifiers: Orphanet 404440, MedGen C3810406, MONDO:0014336, OMIM 615761.
Inborn genetic diseases. Identifiers: MedGen C0950123, MeSH D030342.

Allele frequency attached by ClinVar (database versions not stated): gnomAD exomes below 0.00001 and 0.00001; ExAC 0.00001; TOPMed 0.00001.
gnomAD v4.1: 6 of 1,613,862 alleles (0.00037%); highest among the groups gnomAD compares: Non-Finnish European, 0.00051%; no homozygotes.

Submissions (3):

Ambry Genetics
Classification: Likely benign for Inborn genetic diseases. Last evaluated: 2024-08-20. Review status: criteria provided, single submitter. Criteria: Ambry Variant Classification Scheme 2023. Collection method: clinical testing. Allele origin: germline.

Labcorp Genetics (formerly Invitae), Labcorp
Classification: Uncertain significance. Last evaluated: 2022-08-16. Review status: criteria provided, single submitter. Criteria: Invitae Variant Classification Sherloc (09022015). Collection method: clinical testing. Allele origin: germline.
Comment: In summary, the available evidence is currently insufficient to determine the role of this variant in disease. Therefore, it has been classified as a Variant of Uncertain Significance. Algorithms developed to predict the effect of missense changes on protein structure and function are either unavailable or do not agree on the potential impact of this missense change (SIFT: "Deleterious"; PolyPhen-2: "Probably Damaging"; Align-GVGD: "Class C0"). ClinVar contains an entry for this variant (Variation ID: 1032607). This variant has not been reported in the literature in individuals affected with SETD5-related conditions. This variant is present in population databases (rs748495610, gnomAD 0.006%). This sequence change replaces arginine, which is basic and polar, with glutamine, which is neutral and polar, at codon 1174 of the SETD5 protein (p.Arg1174Gln).

Baylor Genetics
Classification: Uncertain significance for Intellectual disability-facial dysmorphism syndrome due to SETD5 haploinsufficiency. Last evaluated: 2018-05-11. Review status: criteria provided, single submitter. Criteria: ACMG Guidelines, 2015. Collection method: clinical testing. Allele origin: unknown. Affected: yes.
Comment: This variant was determined to be of uncertain significance according to ACMG Guidelines, 2015 [PMID:25741868].

NM_001080517.3(SETD5):c.3521G>A (p.Arg1174Gln)

Gene: SETD5 (SET domain containing 5; plus strand). Cytogenetic location: 3p25.3.
Variant type: single nucleotide variant.
Coding change: c.3521G>A on transcript NM_001080517.3 (MANE Select); coding-DNA position 3521, G replaced by A.
Protein change: p.Arg1174Gln; replaces arginine 1174 with glutamine.
Molecular consequence: missense variant.
Genome position (GRCh38, 1-based): chr3:9,474,472, G>A. VCF-style: chr3-9474472-G-A. GRCh37 (hg19) VCF-style: chr3-9516156-G-A.
Other names: c.3227G>A, p.Arg1076Gln (NM_001292043.2, NM_001349451.2); short protein forms R1076Q, R1174Q.
Identifiers: ClinVar variation 1032607 (VCV001032607.7), dbSNP rs748495610, ClinGen allele CA2239721.